The following is an entry in ClinVar:

ClinVar aggregate classification (germline): Likely benign (1 of 4 stars; one submission).

Submission:

GeneDx
Classification: Likely benign. Last evaluated: 2020-05-20. Review status: criteria provided, single submitter. Criteria: GeneDx Variant Classification Process June 2021. Collection method: clinical testing. Allele origin: germline. Affected: yes.
Comment: See Variant Classification Assertion Criteria.

NM_000260.4(MYO7A):c.3109-16_3109-15insTGCGCTCTGGCCTCTGACATG

Gene: MYO7A (myosin VIIA; plus strand). Cytogenetic location: 11q13.5.
Variant type: Insertion.
Coding change: c.3109-16_3109-15insTGCGCTCTGGCCTCTGACATG on transcript NM_000260.4 (MANE Select); 16 bases into the intron before coding-DNA position 3109 through 15 bases into the intron before coding-DNA position 3109, TGCGCTCTGGCCTCTGACATG inserted.
Molecular consequence: intron variant.
Genome position: GRCh38 VCF-style: chr11-77182389-C-CCGCTCTGGCCTCTGACATGTG. GRCh37 (hg19) VCF-style: chr11-76893434-C-CCGCTCTGGCCTCTGACATGTG.
Other names: c.3076-16_3076-15insTGCGCTCTGGCCTCTGACATG (NM_001369365.1); c.3109-16_3109-15insTGCGCTCTGGCCTCTGACATG (NM_001127180.2).
Identifiers: ClinVar variation 1801125 (VCV001801125.1), dbSNP rs149931272, ClinGen allele CA224841889.